The following is an entry in ClinVar:

ClinVar aggregate classification (germline): Pathogenic (1 of 4 stars; one submission).

Conditions:
GM3 synthase deficiency (SPDRS). Also called: SALT AND PEPPER MENTAL RETARDATION SYNDROME; AMISH INFANTILE EPILEPSY SYNDROME; SALT AND PEPPER DEVELOPMENTAL REGRESSION SYNDROME. Identifiers: Orphanet 171714, Orphanet 370933, MedGen C1836824, MONDO:0018274, OMIM 609056.

Submission:

Labcorp Genetics (formerly Invitae), Labcorp
Classification: Pathogenic for GM3 synthase deficiency. Last evaluated: 2022-07-30. Review status: criteria provided, single submitter. Criteria: Invitae Variant Classification Sherloc (09022015). Collection method: clinical testing. Allele origin: germline.
Comment: For these reasons, this variant has been classified as Pathogenic. Algorithms developed to predict the effect of sequence changes on RNA splicing suggest that this variant may disrupt the consensus splice site. This variant has not been reported in the literature in individuals affected with ST3GAL5-related conditions. This variant is not present in population databases (gnomAD no frequency). This sequence change creates a premature translational stop signal (p.Glu232*) in the ST3GAL5 gene. It is expected to result in an absent or disrupted protein product. Loss-of-function variants in ST3GAL5 are known to be pathogenic (PMID: 15502825, 22990144, 27232954).

Literature cited by the submitters: PubMed 15502825; PubMed 22990144; PubMed 27232954.

NM_003896.4(ST3GAL5):c.694G>T (p.Glu232Ter)

Gene: ST3GAL5 (ST3 beta-galactoside alpha-2,3-sialyltransferase 5; minus strand). Cytogenetic location: 2p11.2.
Variant type: single nucleotide variant.
Coding change: c.694G>T on transcript NM_003896.4 (MANE Select); coding-DNA position 694, G replaced by T.
Protein change: p.Glu232Ter; replaces glutamic acid 232 with a stop codon.
Molecular consequence: nonsense. On other transcripts: 5 prime UTR variant (1).
Genome position (GRCh38, 1-based): chr2:85,846,532, C>A on the plus strand (G>T on the coding strand, the complement: ST3GAL5 is on the minus strand). VCF-style: chr2-85846532-C-A. GRCh37 (hg19) VCF-style: chr2-86073655-C-A.
Other names: c.625G>T, p.Glu209Ter (NM_001042437.2); c.310G>T, p.Glu104Ter (NM_001354223.2, NM_001354224.2, NM_001354226.2 and 3 more transcripts); c.610G>T, p.Glu204Ter (NM_001354227.2, NM_001354229.2, NM_001354238.1); c.-30G>T (NM_001354247.1); c.694G>T, p.Glu232Ter (NM_001363847.1); short protein forms E104*, E209*, E204*, E232*.
Identifiers: ClinVar variation 2020623 (VCV002020623.4), dbSNP rs2467062259, ClinGen allele CA347531292.